The following is an entry in ClinVar:

NM_001367561.1(DOCK7):c.3676G>A (p.Asp1226Asn)

Gene: DOCK7 (dedicator of cytokinesis 7; minus strand). Cytogenetic location: 1p31.3.
Variant type: single nucleotide variant.
Coding change: c.3676G>A on transcript NM_001367561.1 (MANE Select); coding-DNA position 3676, G replaced by A.
Protein change: p.Asp1226Asn; replaces aspartic acid 1226 with asparagine.
Molecular consequence: missense variant.
Genome position (GRCh38, 1-based): chr1:62,529,382, C>T on the plus strand (G>A on the coding strand, the complement: DOCK7 is on the minus strand). VCF-style: chr1-62529382-C-T. GRCh37 (hg19) VCF-style: chr1-62995053-C-T.
Other names: c.3676G>A, p.Asp1226Asn (NM_001271999.2, NM_001330614.2); c.3583G>A, p.Asp1195Asn (NM_001272000.2, NM_001272001.2, NM_033407.4); short protein forms D1195N, D1226N.
Identifiers: ClinVar variation 1344913 (VCV001344913.11), dbSNP rs1645108056, ClinGen allele CA340601027.

ClinVar aggregate classification (germline): Uncertain significance. Review status: criteria provided, multiple submitters, no conflicts (2 of 4 stars). 4 submissions from 4 submitters: Uncertain significance (4). Last evaluated 2024-05-22.

Conditions:
Developmental and epileptic encephalopathy, 23 (DEE23). Also called: Epileptic encephalopathy, early infantile, 23. Identifiers: Orphanet 411986, MedGen C4014492, MONDO:0014371, OMIM 615859.

Allele frequency attached by ClinVar (database versions not stated): gnomAD exomes below 0.00001.
gnomAD v4.1: 4 of 1,613,678 alleles (0.00025%); highest among the groups gnomAD compares: African/African-American, 0.004%; no homozygotes.

Submissions (4):

Labcorp Genetics (formerly Invitae), Labcorp
Classification: Uncertain significance for Developmental and epileptic encephalopathy, 23. Last evaluated: 2024-05-22. Review status: criteria provided, single submitter. Criteria: Invitae Variant Classification Sherloc (09022015). Collection method: clinical testing. Allele origin: germline.
Comment: This sequence change replaces aspartic acid, which is acidic and polar, with asparagine, which is neutral and polar, at codon 1226 of the DOCK7 protein (p.Asp1226Asn). This variant is not present in population databases (gnomAD no frequency). This variant has not been reported in the literature in individuals affected with DOCK7-related conditions. ClinVar contains an entry for this variant (Variation ID: 1344913). Advanced modeling of protein sequence and biophysical properties (such as structural, functional, and spatial information, amino acid conservation, physicochemical variation, residue mobility, and thermodynamic stability) performed at Invitae indicates that this missense variant is expected to disrupt DOCK7 protein function with a positive predictive value of 80%. In summary, the available evidence is currently insufficient to determine the role of this variant in disease. Therefore, it has been classified as a Variant of Uncertain Significance.

Genome-Nilou Lab
Classification: Uncertain significance for Developmental and epileptic encephalopathy, 23. Last evaluated: 2023-04-11. Review status: criteria provided, single submitter. Criteria: ACMG Guidelines, 2015. Collection method: clinical testing. Allele origin: germline. Affected: no.

GeneDx
Classification: Uncertain significance. Last evaluated: 2022-03-15. Review status: criteria provided, single submitter. Criteria: GeneDx Variant Classification Process June 2021. Collection method: clinical testing. Allele origin: germline. Affected: yes.
Comment: Not observed in large population cohorts (gnomAD); In silico analysis supports that this missense variant has a deleterious effect on protein structure/function; Has not been previously published as pathogenic or benign to our knowledge

Revvity Omics, Revvity
Classification: Uncertain significance for Developmental and epileptic encephalopathy, 23. Last evaluated: 2021-02-03. Review status: criteria provided, single submitter. Criteria: ACMG Guidelines, 2015. Collection method: clinical testing. Allele origin: germline.